The following is an entry in ClinVar:

NM_001349253.2(SCN11A):c.2230del (p.Ser744fs)

Gene: SCN11A (sodium voltage-gated channel alpha subunit 11; minus strand). Cytogenetic location: 3p22.2.
Variant type: Deletion.
Coding change: c.2230del on transcript NM_001349253.2 (MANE Select); coding-DNA position 2230, one base deleted (T; older notation c.2230delT).
Protein change: p.Ser744fs; shifts the reading frame from serine 744.
Molecular consequence: frameshift variant.
Genome position (GRCh38, 1-based): chr3:38,897,018, A deleted on the plus strand (T on the coding strand, the reverse complement: SCN11A is on the minus strand). VCF-style (leftmost placement, unchanged base first): chr3-38897017-GA-G. GRCh37 (hg19) VCF-style: chr3-38938508-GA-G.
Other names: c.2230del, p.Ser744fs (NM_014139.3); c.2230delT (NM_014139.2); short protein forms S744fs.
Identifiers: ClinVar variation 580673 (VCV000580673.7), dbSNP rs1559515746, ClinGen allele CA891843391.

ClinVar aggregate classification (germline): Uncertain significance (1 of 4 stars; one submission).

Conditions:
Hereditary sensory and autonomic neuropathy type 7. Also called: HSAN VII; Neuropathy, hereditary sensory and autonomic, type VII. Identifiers: Orphanet 391397, MedGen C3809882, MONDO:0014244, OMIM 615548.
Familial episodic pain syndrome with predominantly lower limb involvement. Also called: Episodic pain syndrome, familial, 3. Identifiers: Orphanet 391384, Orphanet 391392, MedGen C3809899, MONDO:0014247, OMIM 615552.

Allele frequency attached by ClinVar (database versions not stated): gnomAD exomes below 0.00001.

Submission:

Labcorp Genetics (formerly Invitae), Labcorp
Classification: Uncertain significance for Familial episodic pain syndrome with predominantly lower limb involvement; Hereditary sensory and autonomic neuropathy type 7. Last evaluated: 2024-03-22. Review status: criteria provided, single submitter. Criteria: Invitae Variant Classification Sherloc (09022015). Collection method: clinical testing. Allele origin: germline.
Comment: This sequence change creates a premature translational stop signal (p.Ser744Hisfs*16) in the SCN11A gene. It is expected to result in an absent or disrupted protein product. However, the current clinical and genetic evidence is not sufficient to establish whether loss-of-function variants in SCN11A cause disease. This variant is not present in population databases (gnomAD no frequency). This variant has not been reported in the literature in individuals affected with SCN11A-related conditions. ClinVar contains an entry for this variant (Variation ID: 580673). In summary, the available evidence is currently insufficient to determine the role of this variant in disease. Therefore, it has been classified as a Variant of Uncertain Significance.